The following is an entry in ClinVar:

NM_001666.5(ARHGAP4):c.1716T>C (p.His572=)

Gene: ARHGAP4 (Rho GTPase activating protein 4; minus strand). Cytogenetic location: Xq28.
Variant type: single nucleotide variant.
Coding change: c.1716T>C on transcript NM_001666.5 (MANE Select); coding-DNA position 1716, T replaced by C.
Protein change: p.His572=; no amino-acid change (histidine 572 retained).
Molecular consequence: synonymous variant.
Genome position (GRCh38, 1-based): chrX:153,910,800, A>G on the plus strand (T>C on the coding strand, the complement: ARHGAP4 is on the minus strand). VCF-style: chrX-153910800-A-G. GRCh37 (hg19) VCF-style: chrX-153176254-A-G.
Other names: c.1836T>C, p.His612= (NM_001164741.2).
Identifiers: ClinVar variation 402391 (VCV000402391.5), dbSNP rs2070097, ClinGen allele CA10555614.

ClinVar aggregate classification (germline): Benign. Review status: criteria provided, multiple submitters, no conflicts (2 of 4 stars). 2 submissions from 2 submitters: Benign (2). Last evaluated 2016-03-28.

Allele frequency attached by ClinVar (database versions not stated): gnomAD exomes 0.43288 and 0.53224; gnomAD 0.55492 and 0.55873; ESP Exome Variant Server 0.55798; TOPMed 0.59043; ExAC 0.59133; 1000 Genomes Project 0.70490; 1000 Genomes Project 30x 0.70635.
gnomAD v4.1: 529,728 of 1,186,770 alleles (45%); highest among the groups gnomAD compares: African/African-American, 87%; 87,749 homozygotes.

Submissions (2):

Laboratory for Molecular Medicine, Mass General Brigham Personalized Medicine
Classification: Benign. Last evaluated: 2016-03-28. Review status: criteria provided, single submitter. Criteria: LMM Criteria. Collection method: clinical testing. Allele origin: germline.
Comment: Variant identified in a genome or exome case(s) and assessed due to predicted null impact of the variant or pathogenic assertions in the literature or databases. Disclaimer: This variant has not undergone full assessment. The following are preliminary notes: MAF

Breakthrough Genomics
Classification: Benign. Review status: criteria provided, single submitter. Criteria: ACMG Guidelines, 2015. Collection method: not provided. Allele origin: germline. Inheritance: Unknown mechanism. Affected: yes.